The following is an entry in ClinVar:

NM_004958.4(MTOR):c.6910T>C (p.Trp2304Arg)

Gene: MTOR (mechanistic target of rapamycin kinase; minus strand). Cytogenetic location: 1p36.22.
Variant type: single nucleotide variant.
Coding change: c.6910T>C on transcript NM_004958.4 (MANE Select); coding-DNA position 6910, T replaced by C.
Protein change: p.Trp2304Arg; replaces tryptophan 2304 with arginine.
Molecular consequence: missense variant.
Genome position (GRCh38, 1-based): chr1:11,121,269, A>G on the plus strand (T>C on the coding strand, the complement: MTOR is on the minus strand). VCF-style: chr1-11121269-A-G. GRCh37 (hg19) VCF-style: chr1-11181326-A-G.
Other names: c.6910T>C, p.Trp2304Arg (NM_001386500.1); c.5662T>C, p.Trp1888Arg (NM_001386501.1); short protein forms W1888R, W2304R.
Identifiers: ClinVar variation 3361672 (VCV003361672.1).
Genomic context (GRCh38, chr1:11,121,269, plus strand): 5'-CCAGGAGAGCGCAGGTCTGCAGGGCCCAGTGGCCTACCTCGGAGCTGGGGCTTTTCAGCC[A>G]CAGCAGCTTGGCCAGGTCGTCCCCAGCTGTATTATTGACGGCATGCTCAAACACCTCCAC-3'
Protein context (NP_004949.1, residues 2294-2314): TAGDDLAKLL[Trp2304Arg]LKSPSSEVWF

ClinVar aggregate classification (germline): Uncertain significance (1 of 4 stars; one submission).

Submission:

GeneDx
Classification: Uncertain significance. Last evaluated: 2023-07-27. Review status: criteria provided, single submitter. Criteria: GeneDx Variant Classification Process June 2021. Collection method: clinical testing. Allele origin: germline. Affected: yes.
Comment: Not observed at significant frequency in large population cohorts (gnomAD); In silico analysis supports that this missense variant has a deleterious effect on protein structure/function; Has not been previously published as pathogenic or benign to our knowledge